The following is an entry in ClinVar:

NM_001370658.1(BTD):c.38_41delinsTC (p.Cys13fs)

Gene: BTD (biotinidase; plus strand). Cytogenetic location: 3p25.1.
Variant type: Indel.
Coding change: c.38_41delinsTC on transcript NM_001370658.1 (MANE Select); coding-DNA positions 38 to 41, GCGG replaced by TC.
Protein change: p.Cys13fs; shifts the reading frame from cysteine 13.
Molecular consequence: frameshift variant.
Genome position (GRCh38, 1-based): chr3:15,635,477-15,635,480, GCGG replaced by TC. VCF-style: chr3-15635477-GCGG-TC. GRCh37 (hg19) VCF-style: chr3-15676984-GCGG-TC.
Other names: c.38_41delinsTC, p.Cys13fs (NM_001281723.4, NM_001281724.3, NM_001281725.3 and 37 more transcripts); short protein forms C13fs.
Identifiers: ClinVar variation 5012410 (VCV005012410.1).

ClinVar aggregate classification (germline): Pathogenic (1 of 4 stars; one submission).

Conditions:
Biotinidase deficiency. Also called: BTD deficiency; Late-onset biotin-responsive multiple carboxylase deficiency; Biotin deficiency. Identifiers: Orphanet 79241, MedGen C0220754, MONDO:0009665, OMIM 253260.

Submission:

Myriad Genetics, Inc.
Classification: Pathogenic for Biotinidase deficiency. Last evaluated: 2023-10-21. Review status: criteria provided, single submitter. Criteria: Myriad Autosomal Dominant, Autosomal Recessive and X-Linked Classification Criteria (2023). Collection method: clinical testing. Allele origin: unknown.
Comment: NM_000060.2(BTD):c.98_101delGCGGinsTC(C33Ffs*18) is expected to be pathogenic in the context of biotinidase deficiency. This variant is predicted to lead to an abnormal or absent protein product due to the creation of a premature termination codon in BTD, a gene where loss-of-function variants are known to be pathogenic. Please note: this variant was assessed in the context of healthy population screening.